The following is an entry in ClinVar:

ClinVar aggregate classification (germline): Likely pathogenic. Review status: criteria provided, multiple submitters, no conflicts (2 of 4 stars). 3 submissions from 3 submitters: Likely pathogenic (3). Last evaluated 2025-12-08.

Conditions:
Spermatogenic failure 25. Identifiers: MedGen C4693765, MONDO:0054729, OMIM 617960.

Submissions (3):

Dasa
Classification: Likely pathogenic. Last evaluated: 2025-12-08. Review status: criteria provided, single submitter. Criteria: DASA Assertion Criteria. Collection method: clinical testing. Allele origin: germline.
Comment: NM_001350162.2(TEX15):c.6874_6877del (p.Ser2292Lysfs*11) introduces a premature termination codon predicted to result in loss of normal protein function. Loss-of-function is an established mechanism of disease for this gene. The variant is present at low frequency in population datasets. Based on the available data, this variant is classified as likely pathogenic.

Department of Pathology and Laboratory Medicine, Sinai Health System
Classification: Likely pathogenic for Spermatogenic failure 25. Last evaluated: 2023-05-23. Review status: criteria provided, single submitter. Criteria: ACMG Guidelines, 2015. Collection method: research. Allele origin: germline.

Yatsenko Laboratory, Magee-Womens Research Institute, University of Pittsburgh
Classification: Likely pathogenic for Spermatogenic failure 25. Last evaluated: 2022-12-30. Review status: criteria provided, single submitter. Criteria: ACMG Guidelines, 2015. Collection method: research. Allele origin: unknown. Affected: yes. Observed: 2 variant alleles.

NM_001350162.2(TEX15):c.6874_6877del (p.Ser2292fs)

Gene: TEX15 (testis expressed 15, meiosis and synapsis associated; minus strand). Cytogenetic location: 8p12.
Variant type: Deletion.
Coding change: c.6874_6877del on transcript NM_001350162.2 (MANE Select); coding-DNA positions 6874 to 6877, 4 bases deleted (TCAC; older notation c.6874_6877delTCAC).
Protein change: p.Ser2292fs; shifts the reading frame from serine 2292.
Molecular consequence: frameshift variant.
Genome position (GRCh38, 1-based): chr8:30,843,290-30,843,293, GTGA deleted on the plus strand (TCAC on the coding strand, the reverse complement: TEX15 is on the minus strand); deleting any 4 consecutive bases within chr8:30,843,290-30,843,295 gives the same sequence; the c. name uses the placement nearest the transcript's 3' end. VCF-style (leftmost placement, unchanged base first): chr8-30843289-TGTGA-T. GRCh37 (hg19) VCF-style: chr8-30700805-TGTGA-T.
Other names: c.5723_5726delACTC, p.Ser1909Lysfs (NM_031271.3); short protein forms S2292fs.
Identifiers: ClinVar variation 2442295 (VCV002442295.3), dbSNP rs754041709, ClinGen allele CA4702607.
Genomic context (GRCh38, chr8:30,843,289, plus strand): 5'-TTCTGCAACTTAGAAAAGGCACATTTATTCACTCTGAGTAGCCTTTCTTCGTCCTTCTTT[TGTGA>T]GTATTTTTTGCTGAAGGATTGTGTTCTCTCTTTCCAAACAAGATTTTTTGCAGCATCAAA-3'